The following is an entry in ClinVar:

ClinVar aggregate classification (germline): Uncertain significance (1 of 4 stars; one submission).

Allele frequency attached by ClinVar (database versions not stated): gnomAD exomes below 0.00001; TOPMed below 0.00001; gnomAD 0.00001.
gnomAD v4.1: 2 of 1,613,978 alleles (0.00012%); highest among the groups gnomAD compares: Non-Finnish European, 0.00017%; no homozygotes.

Submission:

Labcorp Genetics (formerly Invitae), Labcorp
Classification: Uncertain significance. Last evaluated: 2021-09-24. Review status: criteria provided, single submitter. Criteria: Invitae Variant Classification Sherloc (09022015). Collection method: clinical testing. Allele origin: germline.
Comment: This sequence change replaces threonine with alanine at codon 2740 of the LRP2 protein (p.Thr2740Ala). The threonine residue is highly conserved and there is a small physicochemical difference between threonine and alanine. This variant is not present in population databases (ExAC no frequency). This variant has not been reported in the literature in individuals with LRP2-related conditions. Advanced modeling of protein sequence and biophysical properties (such as structural, functional, and spatial information, amino acid conservation, physicochemical variation, residue mobility, and thermodynamic stability) performed at Invitae indicates that this missense variant is not expected to disrupt LRP2 protein function. In summary, the available evidence is currently insufficient to determine the role of this variant in disease. Therefore, it has been classified as a Variant of Uncertain Significance.

NM_004525.3(LRP2):c.8218A>G (p.Thr2740Ala)

Gene: LRP2 (LDL receptor related protein 2; minus strand). Cytogenetic location: 2q31.1.
Variant type: single nucleotide variant.
Coding change: c.8218A>G on transcript NM_004525.3 (MANE Select); coding-DNA position 8218, A replaced by G.
Protein change: p.Thr2740Ala; replaces threonine 2740 with alanine.
Molecular consequence: missense variant.
Genome position (GRCh38, 1-based): chr2:169,201,862, T>C on the plus strand (A>G on the coding strand, the complement: LRP2 is on the minus strand). VCF-style: chr2-169201862-T-C. GRCh37 (hg19) VCF-style: chr2-170058372-T-C.
Other names: short protein forms T2740A.
Identifiers: ClinVar variation 1360826 (VCV001360826.5), dbSNP rs1347386896, ClinGen allele CA349165833.